The following is an entry in ClinVar:

NM_001167.4(XIAP):c.146G>A (p.Arg49Gln)

Gene: XIAP (X-linked inhibitor of apoptosis; plus strand). Cytogenetic location: Xq25.
Variant type: single nucleotide variant.
Coding change: c.146G>A on transcript NM_001167.4 (MANE Select); coding-DNA position 146, G replaced by A.
Protein change: p.Arg49Gln; replaces arginine 49 with glutamine.
Molecular consequence: missense variant.
Genome position (GRCh38, 1-based): chrX:123,885,808, G>A. VCF-style: chrX-123885808-G-A. GRCh37 (hg19) VCF-style: chrX-123019658-G-A.
Other names: p.Arg49Gln; c.146G>A (NM_001167.3); c.146G>A, p.Arg49Gln (NM_001204401.2, NM_001378590.1, NM_001378591.1 and 1 more transcripts); short protein forms R49Q.
Identifiers: ClinVar variation 1164151 (VCV001164151.10), dbSNP rs770122195, ClinGen allele CA10507999.
Genomic context (GRCh38, chrX:123,885,808, plus strand): 5'-GATTAAAAACTTTTGCTAATTTTCCAAGTGGTAGTCCTGTTTCAGCATCAACACTGGCAC[G>A]AGCAGGGTTTCTTTATACTGGTGAAGGAGATACCGTGCGGTGCTTTAGTTGTCATGCAGC-3'
Protein context (NP_001158.2, residues 39-59): GSPVSASTLA[Arg49Gln]AGFLYTGEGD

ClinVar aggregate classification (germline): Conflicting classifications of pathogenicity. Review status: criteria provided, conflicting classifications (1 of 4 stars). 3 submissions from 3 submitters: Uncertain significance (1); Benign (2). Last evaluated 2025-06-10.

Conditions:
X-linked lymphoproliferative disease due to XIAP deficiency. Also called: XIAP DEFICIENCY; XIAP-Related Lymphoproliferative Disease, X-Linked. Identifiers: Orphanet 2442, Orphanet 538934, MedGen C1845076, MONDO:0010385, OMIM 300635.

Allele frequency attached by ClinVar (database versions not stated): gnomAD 0.00003; ExAC 0.00008; gnomAD exomes 0.00008; 1000 Genomes Project 30x 0.00021; 1000 Genomes Project 0.00026; TOPMed 0.00002.
gnomAD v4.1: 62 of 1,210,311 alleles (0.0051%); highest among the groups gnomAD compares: South Asian, 0.1%; no homozygotes.

Submissions (3):

Labcorp Genetics (formerly Invitae), Labcorp
Classification: Benign for X-linked lymphoproliferative disease due to XIAP deficiency. Last evaluated: 2025-06-10. Review status: criteria provided, single submitter. Criteria: Invitae Variant Classification Sherloc (09022015). Collection method: clinical testing. Allele origin: germline.

Mayo Clinic Laboratories, Mayo Clinic
Classification: Uncertain significance. Last evaluated: 2024-02-20. Review status: criteria provided, single submitter. Criteria: ACMG Guidelines, 2015. Collection method: clinical testing. Allele origin: germline. Observed: 1 variant allele.
Comment: BS2

Genomic Medicine Center of Excellence, King Faisal Specialist Hospital and Research Centre
Classification: Benign for X-linked lymphoproliferative disease due to XIAP deficiency. Last evaluated: 2023-12-12. Review status: criteria provided, single submitter. Criteria: ACMG Guidelines, 2015. Collection method: research. Allele origin: germline.

Literature cited by the submitters: PubMed 30697212 (cited by Mayo Clinic Laboratories, Mayo Clinic).